The following is an entry in ClinVar:

NM_000051.4(ATM):c.8095C>T (p.Pro2699Ser)

Genes: ATM (ATM serine/threonine kinase; plus strand), C11orf65 (chromosome 11 open reading frame 65; minus strand). Cytogenetic location: 11q22.3.
Variant type: single nucleotide variant.
Coding change: c.8095C>T on transcript NM_000051.4 (MANE Select); coding-DNA position 8095, C replaced by T.
Protein change: p.Pro2699Ser; replaces proline 2699 with serine.
Molecular consequence: missense variant. On other transcripts: intron variant (2).
Genome position (GRCh38, 1-based): chr11:108,335,053, C>T. VCF-style: chr11-108335053-C-T. GRCh37 (hg19) VCF-style: chr11-108205780-C-T.
Other names: c.*38+167G>A (NM_001351110.2); c.8095C>T, p.Pro2699Ser (NM_001351834.2); c.641-25982G>A (NM_001330368.2); short protein forms P2699S.
Identifiers: ClinVar variation 850196 (VCV000850196.48), dbSNP rs2086682194, ClinGen allele CA382562089.

ClinVar aggregate classification (germline): Uncertain significance. Review status: criteria provided, multiple submitters, no conflicts (2 of 4 stars). 2 submissions from 2 submitters: Uncertain significance (2). Last evaluated 2025-04-01.

Conditions:
Hereditary cancer-predisposing syndrome. Also called: Tumor predisposition; Neoplastic Syndromes, Hereditary; Hereditary Cancer Syndrome; Hereditary neoplastic syndrome. Identifiers: Orphanet 140162, MedGen C0027672, MeSH D009386, MONDO:0015356.
Ataxia-telangiectasia syndrome (AT). Also called: ATAXIA-TELANGIECTASIA, COMPLEMENTATION GROUP A; ATAXIA-TELANGIECTASIA, FRESNO VARIANT; Ataxia-telangiectasia; Ataxia-telangiectasia, complementation group D; AT, COMPLEMENTATION GROUP C; Ataxia-telangiectasia, complementation group E. Identifiers: Orphanet 100, MedGen C0004135, MONDO:0008840, OMIM 208900.

Submissions (2):

Ambry Genetics
Classification: Uncertain significance for Hereditary cancer-predisposing syndrome. Last evaluated: 2025-04-01. Review status: criteria provided, single submitter. Criteria: Ambry Variant Classification Scheme 2023. Collection method: clinical testing. Allele origin: germline.
Comment: The p.P2699S variant (also known as c.8095C>T), located in coding exon 54 of the ATM gene, results from a C to T substitution at nucleotide position 8095. The proline at codon 2699 is replaced by serine, an amino acid with similar properties. This amino acid position is highly conserved in available vertebrate species. In addition, this alteration is predicted to be deleterious by in silico analysis. Based on the available evidence, the clinical significance of this variant remains unclear.

Labcorp Genetics (formerly Invitae), Labcorp
Classification: Uncertain significance for Ataxia-telangiectasia syndrome. Last evaluated: 2025-02-26. Review status: criteria provided, single submitter. Criteria: Invitae Variant Classification Sherloc (09022015). Collection method: clinical testing. Allele origin: germline.
Comment: This sequence change replaces proline, which is neutral and non-polar, with serine, which is neutral and polar, at codon 2699 of the ATM protein (p.Pro2699Ser). This variant is not present in population databases (gnomAD no frequency). This variant has not been reported in the literature in individuals affected with ATM-related conditions. ClinVar contains an entry for this variant (Variation ID: 850196). Invitae Evidence Modeling of protein sequence and biophysical properties (such as structural, functional, and spatial information, amino acid conservation, physicochemical variation, residue mobility, and thermodynamic stability) indicates that this missense variant is expected to disrupt ATM protein function with a positive predictive value of 95%. In summary, the available evidence is currently insufficient to determine the role of this variant in disease. Therefore, it has been classified as a Variant of Uncertain Significance.